The following is an entry in ClinVar:

ClinVar aggregate classification (germline): Benign (1 of 4 stars; one submission).

Allele frequency attached by ClinVar (database versions not stated): 1000 Genomes Project 0.02196; 1000 Genomes Project 30x 0.02233; TOPMed 0.02538.
gnomAD v4.1: 3,289 of 151,924 alleles (2.2%); highest among the groups gnomAD compares: African/African-American, 7.4%; 112 homozygotes.

Submission:

GeneDx
Classification: Benign. Last evaluated: 2018-06-14. Review status: criteria provided, single submitter. Criteria: GeneDx Variant Classification (06012015). Collection method: clinical testing. Allele origin: germline. Affected: yes.
Comment: This variant is considered likely benign or benign based on one or more of the following criteria: it is a conservative change, it occurs at a poorly conserved position in the protein, it is predicted to be benign by multiple in silico algorithms, and/or has population frequency not consistent with disease.

NM_007327.4(GRIN1):c.672-330A>G

Gene: GRIN1 (glutamate ionotropic receptor NMDA type subunit 1; plus strand). Cytogenetic location: 9q34.3.
Variant type: single nucleotide variant.
Coding change: c.672-330A>G on transcript NM_007327.4 (MANE Select); 330 bases into the intron before coding-DNA position 672, A replaced by G.
Molecular consequence: intron variant.
Genome position (GRCh38, 1-based): chr9:137,156,339, A>G. VCF-style: chr9-137156339-A-G. GRCh37 (hg19) VCF-style: chr9-140050791-A-G.
Other names: c.672-330A>G (NM_021569.4, NM_000832.7); c.735-330A>G (NM_001185090.2, NM_001185091.2).
Identifiers: ClinVar variation 670031 (VCV000670031.1), dbSNP rs115011370, ClinGen allele CA201738026.